The following is an entry in ClinVar:

NM_182914.3(SYNE2):c.18028A>G (p.Ile6010Val)

Gene: SYNE2 (spectrin repeat containing nuclear envelope protein 2; plus strand). Cytogenetic location: 14q23.2.
Variant type: single nucleotide variant.
Coding change: c.18028A>G on transcript NM_182914.3 (MANE Select); coding-DNA position 18028, A replaced by G.
Protein change: p.Ile6010Val; replaces isoleucine 6010 with valine.
Molecular consequence: missense variant.
Genome position (GRCh38, 1-based): chr14:64,190,227, A>G. VCF-style: chr14-64190227-A-G. GRCh37 (hg19) VCF-style: chr14-64656945-A-G.
Other names: c.18028A>G, p.Ile6010Val (NM_015180.6); short protein forms I6010V.
Identifiers: ClinVar variation 2740724 (VCV002740724.3), dbSNP rs749804851, ClinGen allele CA261848280.

ClinVar aggregate classification (germline): Uncertain significance (1 of 4 stars; one submission).

Conditions:
Emery-Dreifuss muscular dystrophy 5, autosomal dominant (EDMD5). Also called: EMERY-DREIFUSS MUSCULAR DYSTROPHY 5. Identifiers: Orphanet 261, MedGen C2751805, MONDO:0013072, OMIM 612999.

Allele frequency attached by ClinVar (database versions not stated): gnomAD exomes below 0.00001.
gnomAD v4.1: 3 of 1,614,174 alleles (0.00019%); highest among the groups gnomAD compares: Non-Finnish European, 0.00017%; no homozygotes.

Submission:

Labcorp Genetics (formerly Invitae), Labcorp
Classification: Uncertain significance for Emery-Dreifuss muscular dystrophy 5, autosomal dominant. Last evaluated: 2023-12-11. Review status: criteria provided, single submitter. Criteria: Invitae Variant Classification Sherloc (09022015). Collection method: clinical testing. Allele origin: germline.
Comment: This sequence change replaces isoleucine, which is neutral and non-polar, with valine, which is neutral and non-polar, at codon 6010 of the SYNE2 protein (p.Ile6010Val). This variant is not present in population databases (gnomAD no frequency). This variant has not been reported in the literature in individuals affected with SYNE2-related conditions. An algorithm developed to predict the effect of missense changes on protein structure and function (PolyPhen-2) suggests that this variant is likely to be disruptive. In summary, the available evidence is currently insufficient to determine the role of this variant in disease. Therefore, it has been classified as a Variant of Uncertain Significance.